The following is an entry in ClinVar:

NM_002878.4(RAD51D):c.145-2_163del

Genes: RAD51L3-RFFL (RAD51L3-RFFL readthrough; minus strand), RAD51D (RAD51 paralog D; minus strand). Cytogenetic location: 17q12.
Variant type: Deletion.
Coding change: c.145-2_163del on transcript NM_002878.4 (MANE Select); the canonical splice acceptor site of the intron before coding-DNA position 145 through coding-DNA position 163, 21 bases deleted (AGGCCCTGGTTGCCCTGAGGC).
Molecular consequence: splice acceptor variant. On other transcripts: intron variant (2).
Genome position (GRCh38, 1-based): chr17:35,118,601-35,118,621, GCCTCAGGGCAACCAGGGCCT deleted on the plus strand (AGGCCCTGGTTGCCCTGAGGC on the coding strand, the reverse complement: RAD51D is on the minus strand); deleting any 21 consecutive bases within chr17:35,118,601-35,118,624 gives the same sequence; the c. name uses the placement nearest the transcript's 3' end. VCF-style (leftmost placement, unchanged base first): chr17-35118600-CGCCTCAGGGCAACCAGGGCCT-C. GRCh37 (hg19) VCF-style: chr17-33445619-CGCCTCAGGGCAACCAGGGCCT-C.
Other names: c.144+490_144+510del (NM_133629.3, NM_001142571.2); c.145-2_163del21 (NM_002878.3).
Identifiers: ClinVar variation 2710281 (VCV002710281.4), dbSNP rs2509182414, ClinGen allele CA2697559826.
Genomic context (GRCh38, chr17:35,118,600, plus strand): 5'-AGTTCCTCGTAGAGATCAGCGCCATTCACGGGGAAAGCCGAGAACTGAGCCAGCAGCACC[CGCCTCAGGGCAACCAGGGCCT>C]GCCAAAGGGCCCCAGACTGCTCAGCAACAAATTGCCCGTAGAAGCTGGCATCCCAGGGTG-3'

ClinVar aggregate classification (germline): Conflicting classifications of pathogenicity. Review status: criteria provided, conflicting classifications (1 of 4 stars). 2 submissions from 2 submitters: Likely pathogenic (1); Uncertain significance (1). Last evaluated 2025-01-31.

Conditions:
Breast-ovarian cancer, familial, susceptibility to, 4. Identifiers: Orphanet 145, MedGen C3280345, MONDO:0013669, OMIM 614291.
Hereditary cancer-predisposing syndrome. Also called: Neoplastic Syndromes, Hereditary; Tumor predisposition; Hereditary Cancer Syndrome; Hereditary neoplastic syndrome. Identifiers: Orphanet 140162, MedGen C0027672, MeSH D009386, MONDO:0015356.

Submissions (2):

Ambry Genetics
Classification: Uncertain significance for Hereditary cancer-predisposing syndrome. Last evaluated: 2025-01-31. Review status: criteria provided, single submitter. Criteria: Ambry Variant Classification Scheme 2023. Collection method: clinical testing. Allele origin: germline.
Comment: The c.145-2_163del21 variant results from a deletion of 21 nucleotides between positions c.145-2 and c.163 and involves the canonical splice acceptor site before coding exon 3 of the RAD51D gene. The canonical splice acceptor site is highly conserved in available vertebrate species. In silico splice site analysis predicts that this alteration will weaken the native splice acceptor site; however, direct evidence is insufficient at this time (Ambry internal data). In addition, RNA data has shown that exon 3 is excluded in several naturally occurring RAD51D isoforms (Davy G et al. Eur. J. Hum. Genet., 2017 10;25:1147-1154). Since supporting evidence is limited at this time, the clinical significance of this alteration remains unclear.

Labcorp Genetics (formerly Invitae), Labcorp
Classification: Likely pathogenic for Breast-ovarian cancer, familial, susceptibility to, 4. Last evaluated: 2024-01-19. Review status: criteria provided, single submitter. Criteria: Invitae Variant Classification Sherloc (09022015). Collection method: clinical testing. Allele origin: germline.
Comment: This variant results in the deletion of part of exon 3 (c.145-2_163del) of the RAD51D gene. It is expected to disrupt RNA splicing. Variants that disrupt the donor or acceptor splice site typically lead to a loss of protein function (PMID: 16199547), and loss-of-function variants in RAD51D are known to be pathogenic (PMID: 21822267). This variant is not present in population databases (gnomAD no frequency). This variant has not been reported in the literature in individuals affected with RAD51D-related conditions. In summary, the currently available evidence indicates that the variant is pathogenic, but additional data are needed to prove that conclusively. Therefore, this variant has been classified as Likely Pathogenic.

Literature cited by the submitters: PubMed 16199547 (cited by Labcorp Genetics (formerly Invitae), Labcorp); PubMed 21822267 (cited by Labcorp Genetics (formerly Invitae), Labcorp).